The following is an entry in ClinVar:

NM_052947.4(ALPK2):c.4288G>T (p.Ala1430Ser)

Genes: ALPK2 (alpha kinase 2; minus strand), LOC126862764 (BRD4-independent group 4 enhancer GRCh37_chr18:56202574-56203773; plus strand). Cytogenetic location: 18q21.31.
Variant type: single nucleotide variant.
Coding change: c.4288G>T on transcript NM_052947.4 (MANE Select); coding-DNA position 4288, G replaced by T.
Protein change: p.Ala1430Ser; replaces alanine 1430 with serine.
Molecular consequence: missense variant.
Genome position (GRCh38, 1-based): chr18:58,535,899, C>A on the plus strand (G>T on the coding strand, the complement: ALPK2 is on the minus strand). VCF-style: chr18-58535899-C-A. GRCh37 (hg19) VCF-style: chr18-56203131-C-A.
Other names: short protein forms A1430S.
Identifiers: ClinVar variation 1739395 (VCV001739395.2), dbSNP rs541004764, ClinGen allele CA402563335.

ClinVar aggregate classification (germline): Uncertain significance (1 of 4 stars; one submission).

gnomAD v4.1: 1 of 1,614,196 alleles (0.000062%); highest among the groups gnomAD compares: Non-Finnish European, 0.000085%; no homozygotes.

Submission:

Ambry Genetics
Classification: Uncertain significance. Last evaluated: 2022-04-27. Review status: criteria provided, single submitter. Criteria: Ambry Variant Classification Scheme 2023. Collection method: clinical testing. Allele origin: germline.
Comment: The p.A1430S variant (also known as c.4288G>T), located in coding exon 4 of the ALPK2 gene, results from a G to T substitution at nucleotide position 4288. The alanine at codon 1430 is replaced by serine, an amino acid with similar properties. This amino acid position is conserved. In addition, this alteration is predicted to be tolerated by in silico analysis. Since supporting evidence is limited at this time, the clinical significance of this alteration remains unclear.